The following is an entry in ClinVar:

ClinVar aggregate classification (germline): Uncertain significance (1 of 4 stars; one submission).

Allele frequency attached by ClinVar (database versions not stated): gnomAD exomes below 0.00001; TOPMed below 0.00001.
gnomAD v4.1: 1 of 1,613,572 alleles (0.000062%); highest among the groups gnomAD compares: Admixed American, 0.0017%; no homozygotes.

Submission:

Labcorp Genetics (formerly Invitae), Labcorp
Classification: Uncertain significance. Last evaluated: 2024-04-05. Review status: criteria provided, single submitter. Criteria: Invitae Variant Classification Sherloc (09022015). Collection method: clinical testing. Allele origin: germline.
Comment: This sequence change replaces valine, which is neutral and non-polar, with leucine, which is neutral and non-polar, at codon 2113 of the ATR protein (p.Val2113Leu). This variant is present in population databases (no rsID available, gnomAD 0.003%). This variant has not been reported in the literature in individuals affected with ATR-related conditions. ClinVar contains an entry for this variant (Variation ID: 1035257). Algorithms developed to predict the effect of missense changes on protein structure and function output the following: SIFT: "Not Available"; PolyPhen-2: "Benign"; Align-GVGD: "Not Available". The leucine amino acid residue is found in multiple mammalian species, which suggests that this missense change does not adversely affect protein function. In summary, the available evidence is currently insufficient to determine the role of this variant in disease. Therefore, it has been classified as a Variant of Uncertain Significance.

NM_001184.4(ATR):c.6337G>C (p.Val2113Leu)

Gene: ATR (ATR checkpoint kinase; minus strand). Cytogenetic location: 3q23.
Variant type: single nucleotide variant.
Coding change: c.6337G>C on transcript NM_001184.4 (MANE Select); coding-DNA position 6337, G replaced by C.
Protein change: p.Val2113Leu; replaces valine 2113 with leucine.
Molecular consequence: missense variant.
Genome position (GRCh38, 1-based): chr3:142,469,552, C>G on the plus strand (G>C on the coding strand, the complement: ATR is on the minus strand). VCF-style: chr3-142469552-C-G. GRCh37 (hg19) VCF-style: chr3-142188394-C-G.
Other names: c.6145G>C, p.Val2049Leu (NM_001354579.2); short protein forms V2113L, V2049L.
Identifiers: ClinVar variation 1035257 (VCV001035257.8), dbSNP rs191588404, ClinGen allele CA354805367.